The following is an entry in ClinVar:

NM_021620.4(PRDM13):c.1116GCC[3] (p.Pro376_Pro378del)

Genes: PRDM13 (PR/SET domain 13; plus strand), LOC129996881 (ATAC-STARR-seq lymphoblastoid silent region 17422; plus strand). Cytogenetic location: 6q16.2.
Variant type: Microsatellite.
Coding change: c.1116GCC[3] on transcript NM_021620.4 (MANE Select); three copies in a row of the 3-base unit GCC starting at c.1116; the reference has six copies in a row; three copies, 9 bases deleted.
Protein change: p.Pro376_Pro378del.
Molecular consequence: inframe deletion.
Genome position (GRCh38, 1-based): chr6:99,613,760-99,613,768, GCCGCCGCC deleted; deleting any 9 consecutive bases within chr6:99,613,749-99,613,768 gives the same sequence; the position shown is the placement nearest the transcript's 3' end. VCF-style (leftmost placement, unchanged base first): chr6-99613748-CCCGCCGCCG-C. GRCh37 (hg19) VCF-style: chr6-100061624-CCCGCCGCCG-C.
Identifiers: ClinVar variation 2055585 (VCV002055585.4), dbSNP rs112674667, ClinGen allele CA830408103.

ClinVar aggregate classification (germline): Uncertain significance (1 of 4 stars; one submission).

Submission:

Labcorp Genetics (formerly Invitae), Labcorp
Classification: Uncertain significance. Last evaluated: 2023-07-22. Review status: criteria provided, single submitter. Criteria: Invitae Variant Classification Sherloc (09022015). Collection method: clinical testing. Allele origin: germline.
Comment: This variant, c.1125_1133del, results in the deletion of 3 amino acid(s) of the PRDM13 protein (p.Pro376_Pro378del), but otherwise preserves the integrity of the reading frame. This variant is not present in population databases (gnomAD no frequency). This variant has not been reported in the literature in individuals affected with PRDM13-related conditions. Experimental studies and prediction algorithms are not available or were not evaluated, and the functional significance of this variant is currently unknown. In summary, the available evidence is currently insufficient to determine the role of this variant in disease. Therefore, it has been classified as a Variant of Uncertain Significance.